The following is an entry in ClinVar:

NM_145199.3(LIPT1):c.594A>G (p.Gln198=)

Genes: LIPT1 (lipoyltransferase 1; plus strand), MITD1 (microtubule interacting and trafficking domain containing 1; minus strand). Cytogenetic location: 2q11.2.
Variant type: single nucleotide variant.
Coding change: c.594A>G on transcript NM_145199.3 (MANE Select); coding-DNA position 594, A replaced by G.
Protein change: p.Gln198=; no amino-acid change (glutamine 198 retained).
Molecular consequence: synonymous variant. On other transcripts: non-coding transcript variant (2).
Genome position (GRCh38, 1-based): chr2:99,162,551, A>G. VCF-style: chr2-99162551-A-G. GRCh37 (hg19) VCF-style: chr2-99779014-A-G.
Other names: c.594A>G (NM_145199.2); c.594A>G, p.Gln198= (NM_001204830.2, NM_015929.4, NM_145197.3 and 1 more transcripts).
Identifiers: ClinVar variation 1597778 (VCV001597778.25), dbSNP rs769975874, ClinGen allele CA1797349.

ClinVar aggregate classification (germline): Likely benign. Review status: criteria provided, multiple submitters, no conflicts (2 of 4 stars). 4 submissions from 4 submitters: Likely benign (3). 1 of the submissions does not count toward it. Last evaluated 2025-12-08.

Conditions:
LIPT1-related disorder. Also called: LIPT1-related condition.

Allele frequency attached by ClinVar (database versions not stated): ExAC 0.00003; gnomAD exomes 0.00003 and 0.00004; TOPMed 0.00003; gnomAD 0.00008 and 0.00009.
gnomAD v4.1: 65 of 1,614,032 alleles (0.004%); highest among the groups gnomAD compares: Non-Finnish European, 0.0053%; no homozygotes.

Submissions (4):

Labcorp Genetics (formerly Invitae), Labcorp
Classification: Likely benign. Last evaluated: 2025-12-08. Review status: criteria provided, single submitter. Criteria: Invitae Variant Classification Sherloc (09022015). Collection method: clinical testing. Allele origin: germline.

CeGaT Center for Human Genetics Tuebingen
Classification: Likely benign. Last evaluated: 2024-11-01. Review status: criteria provided, single submitter. Criteria: CeGaT Center For Human Genetics Tuebingen Variant Classification Criteria Version 2. Collection method: clinical testing. Allele origin: germline. Affected: yes. Observed: 1 variant allele.
Comment: LIPT1: BP4, BP7

Blueprint Genetics
Classification: Likely benign. Last evaluated: 2024-05-15. Review status: criteria provided, single submitter. Criteria: ACMG Guidelines, 2015. Collection method: clinical testing. Allele origin: germline.

PreventionGenetics, part of Exact Sciences
Classification: Likely benign for LIPT1-related condition. Last evaluated: 2020-01-14. Review status: no assertion criteria provided. Collection method: clinical testing. Allele origin: germline. Not counted in ClinVar's aggregate classification.
Comment: This variant is classified as likely benign based on ACMG/AMP sequence variant interpretation guidelines (Richards et al. 2015 PMID: 25741868, with internal and published modifications).